The following is an entry in ClinVar:

ClinVar aggregate classification (germline): Uncertain significance. Review status: criteria provided, multiple submitters, no conflicts (2 of 4 stars). 2 submissions from 2 submitters: Uncertain significance (2). Last evaluated 2024-08-07.

Conditions:
Inborn genetic diseases. Identifiers: MedGen C0950123, MeSH D030342.

Allele frequency attached by ClinVar (database versions not stated): TOPMed 0.00001.
gnomAD v4.1: 13 of 1,611,396 alleles (0.00081%); highest among the groups gnomAD compares: South Asian, 0.011%; no homozygotes.

Submissions (2):

Ambry Genetics
Classification: Uncertain significance for Inborn genetic diseases. Last evaluated: 2024-08-07. Review status: criteria provided, single submitter. Criteria: Ambry Variant Classification Scheme 2023. Collection method: clinical testing. Allele origin: germline.

Labcorp Genetics (formerly Invitae), Labcorp
Classification: Uncertain significance. Last evaluated: 2022-01-21. Review status: criteria provided, single submitter. Criteria: Invitae Variant Classification Sherloc (09022015). Collection method: clinical testing. Allele origin: germline.
Comment: In summary, the available evidence is currently insufficient to determine the role of this variant in disease. Therefore, it has been classified as a Variant of Uncertain Significance. Algorithms developed to predict the effect of missense changes on protein structure and function are either unavailable or do not agree on the potential impact of this missense change (SIFT: "Deleterious"; PolyPhen-2: "Possibly Damaging"; Align-GVGD: "Class C0"). This variant has not been reported in the literature in individuals affected with LAMC3-related conditions. The frequency data for this variant in the population databases is considered unreliable, as metrics indicate poor data quality at this position in the gnomAD database. This sequence change replaces glycine, which is neutral and non-polar, with cysteine, which is neutral and slightly polar, at codon 1085 of the LAMC3 protein (p.Gly1085Cys).

NM_006059.4(LAMC3):c.3253G>T (p.Gly1085Cys)

Gene: LAMC3 (laminin subunit gamma 3; plus strand). Cytogenetic location: 9q34.12.
Variant type: single nucleotide variant.
Coding change: c.3253G>T on transcript NM_006059.4 (MANE Select); coding-DNA position 3253, G replaced by T.
Protein change: p.Gly1085Cys; replaces glycine 1085 with cysteine.
Molecular consequence: missense variant.
Genome position (GRCh38, 1-based): chr9:131,072,671, G>T. VCF-style: chr9-131072671-G-T. GRCh37 (hg19) VCF-style: chr9-133948058-G-T.
Other names: c.3253G>T (NM_006059.3); short protein forms G1085C.
Identifiers: ClinVar variation 1470178 (VCV001470178.7), dbSNP rs760950337, ClinGen allele CA5287735.
Genomic context (GRCh38, chr9:131,072,671, plus strand): 5'-GGCTGTGGGCTTCCCATAGGGGCTCGGGAAGCCTTCCTGGAGCAGATGATGAGCCTCGAG[G>T]GTGCTGTCAAGGCCGCCCGGGAGCAGCTGCAGAGGCTGAACAAGGGTGCCCGCTGTGCCC-3'
Protein context (NP_006050.3, residues 1075-1095): AFLEQMMSLE[Gly1085Cys]AVKAAREQLQ